The following is an entry in ClinVar:

NM_024589.3(ROGDI):c.71_72insT (p.Asp25fs)

Gene: ROGDI (rogdi atypical leucine zipper; minus strand). Cytogenetic location: 16p13.3.
Variant type: Insertion.
Coding change: c.71_72insT on transcript NM_024589.3 (MANE Select); coding-DNA positions 71 to 72, T inserted.
Protein change: p.Asp25fs; shifts the reading frame from aspartic acid 25.
Molecular consequence: frameshift variant. On other transcripts: non-coding transcript variant (1).
Genome position: GRCh38 VCF-style: chr16-4802427-G-GA. GRCh37 (hg19) VCF-style: chr16-4852428-G-GA.
Other names: short protein forms D25fs.
Identifiers: ClinVar variation 4725854 (VCV004725854.1).
Genomic context (GRCh38, chr16:4,802,427, plus strand): 5'-GGCGCGGGTCGTTACCTTGAGGATGTCCTGCAGCTGCTTCAACACAGCGTGCACCTCGTC[G>GA]TGCAGCAGCCAGCGGAACTCCTCCTCCTGCGGGACAGACCCGGCGGTCGCGCCCGGCCCC-3'

ClinVar aggregate classification (germline): Pathogenic (1 of 4 stars; one submission).

Conditions:
Amelocerebrohypohidrotic syndrome (KTZS). Also called: EPILEPSY AND YELLOW TEETH; EPILEPSY, DEMENTIA, AND AMELOGENESIS IMPERFECTA; KOHLSCHUTTER SYNDROME; Kohlschutter's syndrome. Identifiers: Orphanet 1946, MedGen C0406740, MONDO:0009185, OMIM 226750.

Submission:

Labcorp Genetics (formerly Invitae), Labcorp
Classification: Pathogenic for Amelocerebrohypohidrotic syndrome. Last evaluated: 2025-08-22. Review status: criteria provided, single submitter. Criteria: Invitae Variant Classification Sherloc (09022015). Collection method: clinical testing. Allele origin: germline.
Comment: This sequence change creates a premature translational stop signal (p.Asp25Argfs*29) in the ROGDI gene. It is expected to result in an absent or disrupted protein product. Loss-of-function variants in ROGDI are known to be pathogenic (PMID: 22424600, 23086778). This variant is not present in population databases (gnomAD no frequency). This variant has not been reported in the literature in individuals affected with ROGDI-related conditions. For these reasons, this variant has been classified as Pathogenic.

Literature cited by the submitters: PubMed 22424600; PubMed 23086778.